The following is an entry in ClinVar:

NM_001371986.1(UNC80):c.131C>T (p.Ala44Val)

Gene: UNC80 (unc-80 subunit of NALCN channel complex; plus strand). Cytogenetic location: 2q34.
Variant type: single nucleotide variant.
Coding change: c.131C>T on transcript NM_001371986.1 (MANE Select); coding-DNA position 131, C replaced by T.
Protein change: p.Ala44Val; replaces alanine 44 with valine.
Molecular consequence: missense variant.
Genome position (GRCh38, 1-based): chr2:209,773,132, C>T. VCF-style: chr2-209773132-C-T. GRCh37 (hg19) VCF-style: chr2-210637856-C-T.
Other names: c.131C>T, p.Ala44Val (NM_032504.2, NM_182587.4); short protein forms A44V.
Identifiers: ClinVar variation 2128016 (VCV002128016.4), dbSNP rs1430501768, ClinGen allele CA350124701.

ClinVar aggregate classification (germline): Uncertain significance (1 of 4 stars; one submission).

Allele frequency attached by ClinVar (database versions not stated): gnomAD exomes below 0.00001; TOPMed below 0.00001.

Submission:

Labcorp Genetics (formerly Invitae), Labcorp
Classification: Uncertain significance. Last evaluated: 2022-04-19. Review status: criteria provided, single submitter. Criteria: Invitae Variant Classification Sherloc (09022015). Collection method: clinical testing. Allele origin: germline.
Comment: In summary, the available evidence is currently insufficient to determine the role of this variant in disease. Therefore, it has been classified as a Variant of Uncertain Significance. Algorithms developed to predict the effect of missense changes on protein structure and function are either unavailable or do not agree on the potential impact of this missense change (SIFT: "Not Available"; PolyPhen-2: "Possibly Damaging"; Align-GVGD: "Not Available"). This variant has not been reported in the literature in individuals affected with UNC80-related conditions. This variant is not present in population databases (gnomAD no frequency). This sequence change replaces alanine, which is neutral and non-polar, with valine, which is neutral and non-polar, at codon 44 of the UNC80 protein (p.Ala44Val).